The following is an entry in ClinVar:

ClinVar aggregate classification (germline): Likely benign (1 of 4 stars; one submission).

Allele frequency attached by ClinVar (database versions not stated): ExAC 0.00001; gnomAD exomes 0.00002; TOPMed 0.00007; ESP Exome Variant Server 0.00008; gnomAD 0.00013.
gnomAD v4.1: 49 of 1,603,454 alleles (0.0031%); highest among the groups gnomAD compares: Admixed American, 0.037%; no homozygotes.

Submission:

CeGaT Center for Human Genetics Tuebingen
Classification: Likely benign. Last evaluated: 2023-02-01. Review status: criteria provided, single submitter. Criteria: CeGaT Center For Human Genetics Tuebingen Variant Classification Criteria Version 2. Collection method: clinical testing. Allele origin: germline. Affected: yes. Observed: 1 variant allele.
Comment: KDM4B: BP4

NM_015015.3(KDM4B):c.1433C>T (p.Ala478Val)

Gene: KDM4B (lysine demethylase 4B; plus strand). Cytogenetic location: 19p13.3.
Variant type: single nucleotide variant.
Coding change: c.1433C>T on transcript NM_015015.3 (MANE Select); coding-DNA position 1433, C replaced by T.
Protein change: p.Ala478Val; replaces alanine 478 with valine.
Molecular consequence: missense variant.
Genome position (GRCh38, 1-based): chr19:5,131,193, C>T. VCF-style: chr19-5131193-C-T. GRCh37 (hg19) VCF-style: chr19-5131204-C-T.
Other names: c.1535C>T, p.Ala512Val (NM_001411148.1); short protein forms A478V, A512V.
Identifiers: ClinVar variation 2649100 (VCV002649100.24), dbSNP rs369514855, ClinGen allele CA9107838.